The following is an entry in ClinVar:

ClinVar aggregate classification (germline): Uncertain significance. Review status: criteria provided, multiple submitters, no conflicts (2 of 4 stars). 2 submissions from 2 submitters: Uncertain significance (2). Last evaluated 2022-06-10.

Conditions:
Joubert syndrome. Also called: JOUBERT-BOLTSHAUSER SYNDROME; Familial aplasia of the vermis. Identifiers: Orphanet 475, MedGen C5979921, MONDO:0018772.
Meckel-Gruber syndrome. Also called: DYSENCEPHALIA SPLANCHNOCYSTICA; GRUBER SYNDROME; Dysencephalia splachnocystica. Identifiers: Orphanet 564, MedGen C0265215, MONDO:0018921.

Allele frequency attached by ClinVar (database versions not stated): TOPMed 0.00001.

Submissions (2):

Labcorp Genetics (formerly Invitae), Labcorp
Classification: Uncertain significance for Joubert syndrome; Meckel-Gruber syndrome. Last evaluated: 2022-06-10. Review status: criteria provided, single submitter. Criteria: Invitae Variant Classification Sherloc (09022015). Collection method: clinical testing. Allele origin: germline.
Comment: This sequence change replaces aspartic acid, which is acidic and polar, with tyrosine, which is neutral and polar, at codon 1206 of the CC2D2A protein (p.Asp1206Tyr). This variant is not present in population databases (gnomAD no frequency). This variant has not been reported in the literature in individuals affected with CC2D2A-related conditions. Advanced modeling of protein sequence and biophysical properties (such as structural, functional, and spatial information, amino acid conservation, physicochemical variation, residue mobility, and thermodynamic stability) performed at Invitae indicates that this missense variant is expected to disrupt CC2D2A protein function. In summary, the available evidence is currently insufficient to determine the role of this variant in disease. Therefore, it has been classified as a Variant of Uncertain Significance.

Blueprint Genetics
Classification: Uncertain significance. Last evaluated: 2021-12-23. Review status: criteria provided, single submitter. Criteria: ACMG Guidelines, 2015. Collection method: clinical testing. Allele origin: germline.

NM_001378615.1(CC2D2A):c.3616G>T (p.Asp1206Tyr)

Genes: CC2D2A (coiled-coil and C2 domain containing 2A; plus strand), FBXL5 (F-box and leucine rich repeat protein 5; minus strand). Cytogenetic location: 4p15.32.
Variant type: single nucleotide variant.
Coding change: c.3616G>T on transcript NM_001378615.1 (MANE Select); coding-DNA position 3616, G replaced by T.
Protein change: p.Asp1206Tyr; replaces aspartic acid 1206 with tyrosine.
Molecular consequence: missense variant.
Genome position (GRCh38, 1-based): chr4:15,574,171, G>T. VCF-style: chr4-15574171-G-T. GRCh37 (hg19) VCF-style: chr4-15575794-G-T.
Other names: c.3616G>T, p.Asp1206Tyr (NM_001080522.2); c.3469G>T, p.Asp1157Tyr (NM_001378617.1); short protein forms D1157Y, D1206Y.
Identifiers: ClinVar variation 2135149 (VCV002135149.2), dbSNP rs1328396456, ClinGen allele CA356423626.
Genomic context (GRCh38, chr4:15,574,171, plus strand): 5'-AAGCATCAGGATGTTTACCAAGTCATATTTTCTTCACAGATTGATGGAACATTTAAAATA[G>T]ATATTCCCCCAGTTCTTCTGGGCTACAGTAAGGAGCGAAATATGATTCTTGAGCGGGGTT-3'
Protein context (NP_001365544.1, residues 1196-1216): QARIDGTFKI[Asp1206Tyr]IPPVLLGYSK